The following is an entry in ClinVar:

NM_003872.3(NRP2):c.1879G>C (p.Gly627Arg)

Gene: NRP2 (neuropilin 2; plus strand). Cytogenetic location: 2q33.3.
Variant type: single nucleotide variant.
Coding change: c.1879G>C on transcript NM_003872.3 (MANE Select); coding-DNA position 1879, G replaced by C.
Protein change: p.Gly627Arg; replaces glycine 627 with arginine.
Molecular consequence: missense variant.
Genome position (GRCh38, 1-based): chr2:205,749,817, G>C. VCF-style: chr2-205749817-G-C. GRCh37 (hg19) VCF-style: chr2-206614541-G-C.
Other names: c.1879G>C, p.Gly627Arg (NM_018534.4, NM_201266.2, NM_201267.2 and 1 more transcripts); short protein forms G627R.
Identifiers: ClinVar variation 3350986 (VCV003350986.1).

ClinVar aggregate classification (germline): Uncertain significance (0 of 4 stars; one submission).

Conditions:
NRP2-related disorder. Also called: NRP2-related condition.

gnomAD v4.1: 7 of 1,613,932 alleles (0.00043%); highest among the groups gnomAD compares: Admixed American, 0.012%; no homozygotes.

Submission:

PreventionGenetics, part of Exact Sciences
Classification: Uncertain significance for NRP2-related condition. Last evaluated: 2024-05-11. Review status: no assertion criteria provided. Collection method: clinical testing. Allele origin: germline.
Comment: The NRP2 c.1879G>C variant is predicted to result in the amino acid substitution p.Gly627Arg. To our knowledge, this variant has not been reported in the literature. This variant is reported in 0.014% of alleles in individuals of Latino descent in gnomAD. At this time, the clinical significance of this variant is uncertain due to the absence of conclusive functional and genetic evidence.